The following is an entry in ClinVar:

ClinVar aggregate classification (germline): Pathogenic. Review status: criteria provided, multiple submitters, no conflicts (2 of 4 stars). 4 submissions from 4 submitters: Pathogenic (3). 1 of the submissions does not count toward it. Last evaluated 2025-12-05.

Conditions:
Hereditary cancer-predisposing syndrome. Also called: Hereditary Cancer Syndrome; Tumor predisposition; Hereditary neoplastic syndrome; Neoplastic Syndromes, Hereditary. Identifiers: Orphanet 140162, MedGen C0027672, MeSH D009386, MONDO:0015356.
Hereditary breast ovarian cancer syndrome. Also called: Hereditary breast and ovarian cancer; Hereditary breast and ovarian cancer syndrome; BRCA1- and BRCA2-Associated Hereditary Breast and Ovarian Cancer; Hereditary breast and ovarian cancer syndrome (HBOC); Breast and ovarian cancer; Hereditary breast and/or ovarian cancer syndrome. Identifiers: Orphanet 145, MedGen C0677776, MeSH D061325, MONDO:0003582. Disease mechanism: loss of function.
Malignant tumor of breast. Also called: Malignant breast neoplasm; Cancer breast. Identifiers: MedGen C0006142, MONDO:0007254. Disease mechanism: loss of function.

Submissions (4):

Women's Health and Genetics/Laboratory Corporation of America, LabCorp
Classification: Pathogenic for Hereditary breast ovarian cancer syndrome. Last evaluated: 2025-12-05. Review status: criteria provided, single submitter. Criteria: LabCorp Variant Classification Summary - May 2015. Collection method: clinical testing. Allele origin: germline.
Comment: Variant summary: BRCA2 c.4694delA (p.Lys1565ArgfsX3) results in a premature termination codon, predicted to cause a truncation of the encoded protein or absence of the protein due to nonsense mediated decay, which are commonly known mechanisms for disease. The variant was absent in 251062 control chromosomes. c.4694delA has been observed in individual(s) affected with Hereditary Breast And Ovarian Cancer Syndrome (example: Lerner-Ellis_2020). The following publication has been ascertained in the context of this evaluation (PMID: 32885271). ClinVar contains an entry for this variant (Variation ID: 647097). Based on the evidence outlined above, the variant was classified as pathogenic.

Ambry Genetics
Classification: Pathogenic for Hereditary cancer-predisposing syndrome. Last evaluated: 2021-06-21. Review status: criteria provided, single submitter. Criteria: Ambry Variant Classification Scheme 2023. Collection method: clinical testing. Allele origin: germline.
Comment: The c.4694delA pathogenic mutation, located in coding exon 10 of the BRCA2 gene, results from a deletion of one nucleotide at nucleotide position 4694, causing a translational frameshift with a predicted alternate stop codon (p.K1565Rfs*3). This variant is considered to be rare based on population cohorts in the Genome Aggregation Database (gnomAD). This alteration is expected to result in loss of function by premature protein truncation or nonsense-mediated mRNA decay. As such, this alteration is interpreted as a disease-causing mutation.

Labcorp Genetics (formerly Invitae), Labcorp
Classification: Pathogenic for Hereditary breast ovarian cancer syndrome. Last evaluated: 2018-11-01. Review status: criteria provided, single submitter. Criteria: Invitae Variant Classification Sherloc (09022015). Collection method: clinical testing. Allele origin: germline.
Comment: This variant is not present in population databases (ExAC no frequency). For these reasons, this variant has been classified as Pathogenic. Loss-of-function variants in BRCA2 are known to be pathogenic (PMID: 20104584). This variant has not been reported in the literature in individuals with BRCA2-related disease. This sequence change creates a premature translational stop signal (p.Lys1565Argfs*3) in the BRCA2 gene. It is expected to result in an absent or disrupted protein product.

Department of Pathology and Laboratory Medicine, Sinai Health System
Classification: Pathogenic for Malignant tumor of breast. Review status: no assertion criteria provided. Collection method: clinical testing. Allele origin: unknown. Affected: yes. Study: The Canadian Open Genetics Repository (COGR). Not counted in ClinVar's aggregate classification.
Comment: The BRCA2 p.Lys1565Argfs*3 variant was not identified in the literature nor was it identified in the dbSNP, ClinVar, LOVD 3.0, UMD-LSDB, the Exome Aggregation Consortium (August 8th 2016), or the Genome Aggregation Database (Feb 27, 2017). The c.4694del variant is predicted to cause a frameshift, which alters the protein's amino acid sequence beginning at codon 1565 and leads to a premature stop codon at position 1567. This alteration is then predicted to result in a truncated or absent protein and loss of function. Loss of function variants of the BRCA2 gene are an established mechanism of disease in breast and ovarian cancers and is the type of variant expected to cause the disorder. In summary, based on the above information this variant meets our laboratoryâ€šÃ„Ã´s criteria to be classified as pathogenic.

Literature cited by the submitters: PubMed 32885271 (cited by Women's Health and Genetics/Laboratory Corporation of America, LabCorp); PubMed 20104584 (cited by Labcorp Genetics (formerly Invitae), Labcorp).

NM_000059.4(BRCA2):c.4694del (p.Lys1565fs)

Gene: BRCA2 (BRCA2 DNA repair associated; plus strand). Cytogenetic location: 13q13.1.
Variant type: Deletion.
Coding change: c.4694del on transcript NM_000059.4 (MANE Select); coding-DNA position 4694, one base deleted (A; older notation c.4694delA).
Protein change: p.Lys1565fs; shifts the reading frame from lysine 1565.
Molecular consequence: frameshift variant.
Genome position (GRCh38, 1-based): chr13:32,339,049, A deleted; the last of 3 consecutive A bases (chr13:32,339,047-32,339,049); deleting any one gives the same sequence. VCF-style (leftmost placement, unchanged base first): chr13-32339046-CA-C. GRCh37 (hg19) VCF-style: chr13-32913183-CA-C.
Other names: c.4694delA (NM_000059.3); short protein forms K1565fs.
Identifiers: ClinVar variation 647097 (VCV000647097.13), dbSNP rs1593903166, ClinGen allele CA915948469.
Genomic context (GRCh38, chr13:32,339,046, plus strand): 5'-ACCTTTTTGATGAAAAAGAGCAAGGTACTAGTGAAATCACCAGTTTTAGCCATCAATGGG[CA>C]AAGACCCTAAAGTACAGAGAGGCCTGTAAAGACCTTGAATTAGCATGTGAGACCATTGAG-3'